The following is an entry in ClinVar:

ClinVar aggregate classification (germline): Uncertain significance. Review status: criteria provided, multiple submitters, no conflicts (2 of 4 stars). 5 submissions from 5 submitters: Uncertain significance (4). 1 of the submissions does not count toward it. Last evaluated 2023-04-27.

Conditions:
CFTR-related disorder (CFTR-RD). Also called: CFTR-related condition; CFTR-related disorders. Identifiers: MedGen C5924204, MONDO:7770004.
Cystic fibrosis (CF). Also called: MUCOVISCIDOSIS. Identifiers: Orphanet 586, MedGen C0010674, MONDO:0009061, OMIM 219700. Disease mechanism: loss of function.

Allele frequency attached by ClinVar (database versions not stated): TOPMed 0.00003; gnomAD exomes below 0.00001.
gnomAD v4.1: 5 of 1,602,254 alleles (0.00031%); highest among the groups gnomAD compares: African/African-American, 0.0013%; no homozygotes.

Submissions (5):

Ambry Genetics
Classification: Uncertain significance for Cystic fibrosis. Last evaluated: 2023-04-27. Review status: criteria provided, single submitter. Criteria: Ambry Variant Classification Scheme 2023. Collection method: clinical testing. Allele origin: germline.
Comment: The p.A561T variant (also known as c.1681G>A), located in coding exon 13 of the CFTR gene, results from a G to A substitution at nucleotide position 1681. The alanine at codon 561 is replaced by threonine, an amino acid with similar properties. This alteration has been detected in a cohort of individuals with recurrent and/or chronic pediatric pancreatitis (Giefer MJ et al. J. Pediatr., 2017 07;186:95-100). This amino acid position is highly conserved in available vertebrate species. In addition, this alteration is predicted to be deleterious by in silico analysis. Since supporting evidence is limited at this time, the clinical significance of this alteration remains unclear.

Labcorp Genetics (formerly Invitae), Labcorp
Classification: Uncertain significance for Cystic fibrosis. Last evaluated: 2022-01-03. Review status: criteria provided, single submitter. Criteria: Invitae Variant Classification Sherloc (09022015). Collection method: clinical testing. Allele origin: germline.
Comment: This sequence change replaces alanine, which is neutral and non-polar, with threonine, which is neutral and polar, at codon 561 of the CFTR protein (p.Ala561Thr). This variant is not present in population databases (gnomAD no frequency). This missense change has been observed in individual(s) with pancreatitis (PMID: 28502372). ClinVar contains an entry for this variant (Variation ID: 819812). Algorithms developed to predict the effect of missense changes on protein structure and function (SIFT, PolyPhen-2, Align-GVGD) all suggest that this variant is likely to be disruptive. This variant disrupts the p.Ala561 amino acid residue in CFTR. Other variant(s) that disrupt this residue have been determined to be pathogenic (PMID: 14623323, 23891399, 30996306). This suggests that this residue is clinically significant, and that variants that disrupt this residue are likely to be disease-causing. In summary, the available evidence is currently insufficient to determine the role of this variant in disease. Therefore, it has been classified as a Variant of Uncertain Significance.

Genome-Nilou Lab
Classification: Uncertain significance for Cystic fibrosis. Last evaluated: 2021-09-05. Review status: criteria provided, single submitter. Criteria: ACMG Guidelines, 2015. Collection method: clinical testing. Allele origin: germline. Affected: no.

Women's Health and Genetics/Laboratory Corporation of America, LabCorp
Classification: Uncertain significance. Last evaluated: 2019-03-18. Review status: criteria provided, single submitter. Criteria: LabCorp Variant Classification Summary - May 2015. Collection method: clinical testing. Allele origin: germline.
Comment: Variant summary: CFTR c.1681G>A (p.Ala561Thr) results in a non-conservative amino acid change located in the ATPase domain of the encoded protein sequence. Five of five in-silico tools predict a damaging effect of the variant on protein function. The variant was absent in 245214 control chromosomes (gnomAD). The available data on variant occurrences in the general population are insufficient to allow any conclusion about variant significance. c.1681G>A has been reported in the literature in an individual affected with acute recurrent- or chronic pancreatitis (Giefer 2017). These report(s) do not provide unequivocal conclusions about association of the variant with Cystic Fibrosis. To our knowledge, no experimental evidence demonstrating an impact on protein function has been reported. No clinical diagnostic laboratories have submitted clinical-significance assessments for this variant to ClinVar after 2014. Based on the evidence outlined above, the variant was classified as uncertain significance.

Natera, Inc.
Classification: Uncertain significance for CFTR-related disorders. Last evaluated: 2018-12-26. Review status: no assertion criteria provided. Collection method: clinical testing. Allele origin: germline. Not counted in ClinVar's aggregate classification.

Literature cited by the submitters: PubMed 28502372 (cited by 3 submitters); PubMed 14623323 (cited by Labcorp Genetics (formerly Invitae), Labcorp); PubMed 23891399 (cited by Labcorp Genetics (formerly Invitae), Labcorp); PubMed 30996306 (cited by Labcorp Genetics (formerly Invitae), Labcorp).

NM_000492.4(CFTR):c.1681G>A (p.Ala561Thr)

Gene: CFTR (CF transmembrane conductance regulator; plus strand). Cytogenetic location: 7q31.2.
Variant type: single nucleotide variant.
Coding change: c.1681G>A on transcript NM_000492.4 (MANE Select); coding-DNA position 1681, G replaced by A.
Protein change: p.Ala561Thr; replaces alanine 561 with threonine.
Molecular consequence: missense variant.
Genome position (GRCh38, 1-based): chr7:117,590,354, G>A. VCF-style: chr7-117590354-G-A. GRCh37 (hg19) VCF-style: chr7-117230408-G-A.
Other names: short protein forms A561T.
Identifiers: ClinVar variation 819812 (VCV000819812.14), dbSNP rs1226880376, ClinGen allele CA368976992.